The following is an entry in ClinVar:

NM_004991.4(MECOM):c.687G>C (p.Lys229Asn)

Gene: MECOM (MDS1 and EVI1 complex locus; minus strand). Cytogenetic location: 3q26.2.
Variant type: single nucleotide variant.
Coding change: c.687G>C on transcript NM_004991.4 (MANE Select); coding-DNA position 687, G replaced by C.
Protein change: p.Lys229Asn; replaces lysine 229 with asparagine.
Molecular consequence: missense variant.
Genome position (GRCh38, 1-based): chr3:169,127,987, C>G on the plus strand (G>C on the coding strand, the complement: MECOM is on the minus strand). VCF-style: chr3-169127987-C-G. GRCh37 (hg19) VCF-style: chr3-168845775-C-G.
Other names: c.315G>C, p.Lys105Asn (NM_001105077.4); c.123G>C, p.Lys41Asn (NM_001105078.4, NM_001163999.2, NM_001164000.2 and 9 more transcripts); c.687G>C, p.Lys229Asn (NM_001366466.2, NM_001366473.2); short protein forms K229N, K105N, K41N.
Identifiers: ClinVar variation 4624737 (VCV004624737.1).

ClinVar aggregate classification (germline): Uncertain significance (1 of 4 stars; one submission).

Conditions:
Inborn genetic diseases. Identifiers: MedGen C0950123, MeSH D030342.

Submission:

Ambry Genetics
Classification: Uncertain significance for Inborn genetic diseases. Last evaluated: 2025-12-07. Review status: criteria provided, single submitter. Criteria: Ambry Variant Classification Scheme 2023. Collection method: clinical testing. Allele origin: germline.
Comment: The p.K229N variant (also known as c.687G>C), located in coding exon 5 of the MECOM gene, results from a G to C substitution at nucleotide position 687. The lysine at codon 229 is replaced by asparagine, an amino acid with similar properties. This amino acid position is conserved. In addition, this alteration is predicted to be tolerated by in silico analysis. Based on the available evidence, the clinical significance of this variant remains unclear.